The following is an entry in ClinVar:

NM_001873.4(CPE):c.497C>T (p.Ala166Val)

Gene: CPE (carboxypeptidase E; plus strand). Cytogenetic location: 4q32.3.
Variant type: single nucleotide variant.
Coding change: c.497C>T on transcript NM_001873.4 (MANE Select); coding-DNA position 497, C replaced by T.
Protein change: p.Ala166Val; replaces alanine 166 with valine.
Molecular consequence: missense variant.
Genome position (GRCh38, 1-based): chr4:165,464,579, C>T. VCF-style: chr4-165464579-C-T. GRCh37 (hg19) VCF-style: chr4-166385731-C-T.
Other names: c.497C>T (NM_001873.2); short protein forms A166V.
Identifiers: ClinVar variation 3029146 (VCV003029146.4), dbSNP rs780735154, ClinGen allele CA3130180.

ClinVar aggregate classification (germline): Uncertain significance. Review status: criteria provided, multiple submitters, no conflicts (2 of 4 stars). 2 submissions from 2 submitters: Uncertain significance (2). Last evaluated 2026-04-13.

Conditions:
CPE-related disorder. Also called: CPE-related condition.
Inborn genetic diseases. Identifiers: MedGen C0950123, MeSH D030342.

Allele frequency attached by ClinVar (database versions not stated): ExAC 0.00001; gnomAD 0.00003; TOPMed 0.00003.
gnomAD v4.1: 15 of 1,608,634 alleles (0.00093%); highest among the groups gnomAD compares: African/African-American, 0.016%; no homozygotes.

Submissions (2):

PreventionGenetics, part of Exact Sciences
Classification: Uncertain significance for CPE-related condition. Last evaluated: 2026-04-13. Review status: criteria provided, single submitter. Criteria: ACMG Guidelines, 2015. Collection method: clinical testing. Allele origin: germline.
Comment: The CPE c.497C>T variant is predicted to result in the amino acid substitution p.Ala166Val. To our knowledge, this variant has not been reported in the literature. This variant is reported in 0.019% of alleles in individuals of African descent in gnomAD. At this time, the clinical significance of this variant is uncertain due to the absence of conclusive functional and genetic evidence.

Ambry Genetics
Classification: Uncertain significance for Inborn genetic diseases. Last evaluated: 2023-11-15. Review status: criteria provided, single submitter. Criteria: Ambry Variant Classification Scheme 2023. Collection method: clinical testing. Allele origin: germline.